The following is an entry in ClinVar:

NM_001201543.2(FAM161A):c.447T>A (p.Tyr149Ter)

Gene: FAM161A (FAM161 centrosomal protein A; minus strand). Cytogenetic location: 2p15.
Variant type: single nucleotide variant.
Coding change: c.447T>A on transcript NM_001201543.2 (MANE Select); coding-DNA position 447, T replaced by A.
Protein change: p.Tyr149Ter; replaces tyrosine 149 with a stop codon.
Molecular consequence: nonsense.
Genome position (GRCh38, 1-based): chr2:61,840,557, A>T on the plus strand (T>A on the coding strand, the complement: FAM161A is on the minus strand). VCF-style: chr2-61840557-A-T. GRCh37 (hg19) VCF-style: chr2-62067692-A-T.
Other names: c.447T>A, p.Tyr149Ter (NM_032180.3); c.447T>A (NM_001201543.1); short protein forms Y149*.
Identifiers: ClinVar variation 1361348 (VCV001361348.10), dbSNP rs2105083980, ClinGen allele CA346989141.
Genomic context (GRCh38, chr2:61,840,557, plus strand): 5'-CAAGGAGGAAGACTGGCCTAAATCAGGCTCTGAAAATGATGTCATTAATGAGACAGGGTG[A>T]TAGGAGTTCTTTTCTGATACAGATCTAAATGAGAAGAATAACTATGTTATACTTTCAGTT-3'

ClinVar aggregate classification (germline): Pathogenic/Likely pathogenic. Review status: criteria provided, multiple submitters, no conflicts (2 of 4 stars). 3 submissions from 3 submitters: Pathogenic (1); Likely pathogenic (2). Last evaluated 2025-03-14.

Conditions:
Retinitis pigmentosa 28 (RP28). Identifiers: Orphanet 791, MedGen C1419614, MONDO:0011630, OMIM 606068.

Submissions (3):

Natera, Inc.
Classification: Likely pathogenic for Retinitis pigmentosa type 28. Last evaluated: 2025-03-14. Review status: criteria provided, single submitter. Criteria: Natera Variant Classification Schema (03/2026). Collection method: clinical testing. Allele origin: germline.
Comment: The c.447T>A variant in FAM161A is a nonsense variant predicted to introduce a stop codon at amino acid 149. This variant is expected to result in nonsense mediated decay, truncation, or a dysfunctional protein product. This variant is rare in the general population with a frequency below the threshold expected for the associated phenotype(s). Given the available evidence, this variant is classified as Likely Pathogenic.

Labcorp Genetics (formerly Invitae), Labcorp
Classification: Pathogenic. Last evaluated: 2023-12-12. Review status: criteria provided, single submitter. Criteria: Invitae Variant Classification Sherloc (09022015). Collection method: clinical testing. Allele origin: germline.
Comment: This sequence change creates a premature translational stop signal (p.Tyr149*) in the FAM161A gene. It is expected to result in an absent or disrupted protein product. Loss-of-function variants in FAM161A are known to be pathogenic (PMID: 20705278, 20705279, 24651477). This variant is not present in population databases (gnomAD no frequency). This variant has not been reported in the literature in individuals affected with FAM161A-related conditions. ClinVar contains an entry for this variant (Variation ID: 1361348). Algorithms developed to predict the effect of sequence changes on RNA splicing suggest that this variant may disrupt the consensus splice site. For these reasons, this variant has been classified as Pathogenic.

Juno Genomics, Hangzhou Juno Genomics, Inc
Classification: Likely pathogenic for Retinitis pigmentosa 28. Review status: criteria provided, single submitter. Criteria: ACMG Guidelines, 2015. Collection method: clinical testing. Allele origin: germline.
Comment: Absent from controls (or at extremely low frequency if recessive) in Genome Aggregation Database.;Null variant in a gene where loss of function (LOF) is a known mechanism of disease.

Literature cited by the submitters: PubMed 20705278 (cited by Labcorp Genetics (formerly Invitae), Labcorp); PubMed 20705279 (cited by Labcorp Genetics (formerly Invitae), Labcorp); PubMed 24651477 (cited by Labcorp Genetics (formerly Invitae), Labcorp).